The following is an entry in ClinVar:

ClinVar aggregate classification (germline): Uncertain significance. Review status: criteria provided, multiple submitters, no conflicts (2 of 4 stars). 3 submissions from 3 submitters: Uncertain significance (3). Last evaluated 2024-11-17.

Conditions:
Inborn genetic diseases. Identifiers: MedGen C0950123, MeSH D030342.

Allele frequency attached by ClinVar (database versions not stated): gnomAD exomes below 0.00001; gnomAD 0.00001; TOPMed 0.00001; ExAC 0.00002.
gnomAD v4.1: 4 of 1,599,450 alleles (0.00025%); highest among the groups gnomAD compares: African/African-American, 0.0027%; no homozygotes.

Submissions (3):

Ambry Genetics
Classification: Uncertain significance for Inborn genetic diseases. Last evaluated: 2024-11-17. Review status: criteria provided, single submitter. Criteria: Ambry Variant Classification Scheme 2023. Collection method: clinical testing. Allele origin: germline.
Comment: The p.E417Q variant (also known as c.1249G>C), located in coding exon 11 of the ANKRD26 gene, results from a G to C substitution at nucleotide position 1249. The glutamic acid at codon 417 is replaced by glutamine, an amino acid with highly similar properties. This amino acid position is conserved. In addition, this alteration is predicted to be tolerated by in silico analysis. Based on the available evidence, the clinical significance of this variant remains unclear.

GeneDx
Classification: Uncertain significance. Last evaluated: 2023-11-13. Review status: criteria provided, single submitter. Criteria: GeneDx Variant Classification Process June 2021. Collection method: clinical testing. Allele origin: germline. Affected: yes.
Comment: Not observed at significant frequency in large population cohorts (gnomAD); In silico analysis supports that this missense variant does not alter protein structure/function; Has not been previously published as pathogenic or benign to our knowledge

Labcorp Genetics (formerly Invitae), Labcorp
Classification: Uncertain significance. Last evaluated: 2023-09-08. Review status: criteria provided, single submitter. Criteria: Invitae Variant Classification Sherloc (09022015). Collection method: clinical testing. Allele origin: germline.
Comment: In summary, the available evidence is currently insufficient to determine the role of this variant in disease. Therefore, it has been classified as a Variant of Uncertain Significance. An algorithm developed to predict the effect of missense changes on protein structure and function (PolyPhen-2) suggests that this variant is likely to be disruptive. This variant has not been reported in the literature in individuals affected with ANKRD26-related conditions. This variant is present in population databases (rs771605583, gnomAD 0.01%). This sequence change replaces glutamic acid, which is acidic and polar, with glutamine, which is neutral and polar, at codon 417 of the ANKRD26 protein (p.Glu417Gln).

NM_014915.3(ANKRD26):c.1249G>C (p.Glu417Gln)

Gene: ANKRD26 (ankyrin repeat domain 26; minus strand). Cytogenetic location: 10p12.1.
Variant type: single nucleotide variant.
Coding change: c.1249G>C on transcript NM_014915.3 (MANE Select); coding-DNA position 1249, G replaced by C.
Protein change: p.Glu417Gln; replaces glutamic acid 417 with glutamine.
Molecular consequence: missense variant.
Genome position (GRCh38, 1-based): chr10:27,066,507, C>G on the plus strand (G>C on the coding strand, the complement: ANKRD26 is on the minus strand). VCF-style: chr10-27066507-C-G. GRCh37 (hg19) VCF-style: chr10-27355436-C-G.
Other names: c.1249G>C, p.Glu417Gln (NM_001256053.2); short protein forms E417Q.
Identifiers: ClinVar variation 2981668 (VCV002981668.5), dbSNP rs771605583, ClinGen allele CA5448631.